The following is an entry in ClinVar:

ClinVar aggregate classification (germline): Likely pathogenic (1 of 4 stars; one submission).

Conditions:
Dyskeratosis congenita, autosomal dominant 3. Identifiers: MedGen C3151445, MONDO:0013522, OMIM 613990.

Submission:

Institute of Human Genetics, University of Leipzig Medical Center
Classification: Likely pathogenic for Dyskeratosis congenita, autosomal dominant 3. Last evaluated: 2026-07-03. Review status: criteria provided, single submitter. Criteria: ACMG Guidelines, 2015. Collection method: clinical testing. Allele origin: unknown. Affected: yes.
Comment: Criteria applied: PVS1_STR,PM2

NM_001099274.3(TINF2):c.13_20del (p.Leu5fs)

Gene: TINF2 (TERF1 interacting nuclear factor 2; minus strand). Cytogenetic location: 14q12.
Variant type: Deletion.
Coding change: c.13_20del on transcript NM_001099274.3 (MANE Select); coding-DNA positions 13 to 20, 8 bases deleted (CTGGTGGC; older notation c.13_20delCTGGTGGC).
Protein change: p.Leu5fs; shifts the reading frame from leucine 5.
Molecular consequence: frameshift variant.
Genome position (GRCh38, 1-based): chr14:24,242,313-24,242,320, GCCACCAG deleted on the plus strand (CTGGTGGC on the coding strand, the reverse complement: TINF2 is on the minus strand); deleting any 8 consecutive bases within chr14:24,242,313-24,242,321 gives the same sequence; the c. name uses the placement nearest the transcript's 3' end. VCF-style (leftmost placement, unchanged base first): chr14-24242312-CGCCACCAG-C. GRCh37 (hg19) VCF-style: chr14-24711518-CGCCACCAG-C.
Other names: c.13_20del, p.Leu5fs (NM_012461.3, NM_001363668.2); short protein forms L5fs.
Identifiers: ClinVar variation 4879423 (VCV004879423.1).